The following is an entry in ClinVar:

ClinVar aggregate classification (germline): Uncertain significance (1 of 4 stars; one submission).

Conditions:
Spondyloepimetaphyseal dysplasia, PAPSS2 type. Also called: BRACHYOLMIA TYPE 4 WITH MILD EPIPHYSEAL AND METAPHYSEAL CHANGES; SPONDYLODYSPLASIA AND PREMATURE PUBARCHE; SEMD, PAKISTANI TYPE. Identifiers: Orphanet 93282, MedGen C2748516, MONDO:0019666, OMIM 612847.

gnomAD v4.1: 13 of 577,204 alleles (0.0023%); highest among the groups gnomAD compares: Middle Eastern, 0.11%; no homozygotes.

Submission:

Daryl Scott Lab, Baylor College of Medicine
Classification: Uncertain significance for Spondyloepimetaphyseal dysplasia, PAPSS2 type. Last evaluated: 2024-01-01. Review status: criteria provided, single submitter. Criteria: ACMG Guidelines, 2015. Collection method: clinical testing. Allele origin: biparental. Observed: 1 homozygote.
Comment: BP4

NM_001015880.2(PAPSS2):c.381+4A>G

Gene: PAPSS2 (3'-phosphoadenosine 5'-phosphosulfate synthase 2; plus strand). Cytogenetic location: 10q23.31.
Variant type: single nucleotide variant.
Coding change: c.381+4A>G on transcript NM_001015880.2 (MANE Select); 4 bases into the intron after coding-DNA position 381, A replaced by G.
Molecular consequence: intron variant.
Genome position (GRCh38, 1-based): chr10:87,713,314, A>G. VCF-style: chr10-87713314-A-G. GRCh37 (hg19) VCF-style: chr10-89473071-A-G.
Other names: c.381+4A>G (NM_004670.4).
Identifiers: ClinVar variation 3764626 (VCV003764626.1).